The following is an entry in ClinVar:

ClinVar aggregate classification (germline): Pathogenic. Review status: criteria provided, multiple submitters, no conflicts (2 of 4 stars). 2 submissions from 2 submitters: Pathogenic (2). Last evaluated 2025-08-18.

Conditions:
Osteogenesis imperfecta type I (OI1). Also called: OI, TYPE I; OSTEOGENESIS IMPERFECTA TARDA; OSTEOGENESIS IMPERFECTA WITH BLUE SCLERAE; Osteogenesis imperfecta type 1; Lobstein's Disease; Lobstein disease. Identifiers: Orphanet 216796, Orphanet 666, MedGen C0023931, MONDO:0008146, OMIM 166200. Disease mechanism: loss of function.
COL1A1-related disorder. Also called: COL1A1-related condition; COL1A1- related disease.

Submissions (2):

Labcorp Genetics (formerly Invitae), Labcorp
Classification: Pathogenic for Osteogenesis imperfecta type I. Last evaluated: 2025-08-18. Review status: criteria provided, single submitter. Criteria: Invitae Variant Classification Sherloc (09022015). Collection method: clinical testing. Allele origin: germline.
Comment: This sequence change affects an acceptor splice site in intron 31 of the COL1A1 gene. It is expected to disrupt RNA splicing. Variants that disrupt the donor or acceptor splice site typically lead to a loss of protein function (PMID: 16199547), and loss-of-function variants in COL1A1 are known to be pathogenic (PMID: 7942841, 9295084, 9443882). This variant is not present in population databases (gnomAD no frequency). Disruption of this splice site has been observed in individuals with clinical features of osteogenesis imperfecta (PMID: 17078022; internal data). ClinVar contains an entry for this variant (Variation ID: 855941). Algorithms developed to predict the effect of sequence changes on RNA splicing suggest that this variant may disrupt the consensus splice site. For these reasons, this variant has been classified as Pathogenic.

Blueprint Genetics
Classification: Pathogenic for COL1A1-related disorders. Last evaluated: 2023-05-31. Review status: criteria provided, single submitter. Criteria: ACMG Guidelines, 2015. Collection method: clinical testing. Allele origin: germline. Affected: yes. Observed: 4 variant alleles.

Literature cited by the submitters: PubMed 16199547 (cited by Labcorp Genetics (formerly Invitae), Labcorp); PubMed 7942841 (cited by Labcorp Genetics (formerly Invitae), Labcorp); PubMed 9295084 (cited by Labcorp Genetics (formerly Invitae), Labcorp); PubMed 9443882 (cited by Labcorp Genetics (formerly Invitae), Labcorp); PubMed 17078022 (cited by Labcorp Genetics (formerly Invitae), Labcorp).

NM_000088.4(COL1A1):c.2128-1G>A

Gene: COL1A1 (collagen type I alpha 1 chain; minus strand). Cytogenetic location: 17q21.33.
Variant type: single nucleotide variant.
Coding change: c.2128-1G>A on transcript NM_000088.4 (MANE Select); the canonical splice acceptor site of the intron before coding-DNA position 2128, G replaced by A.
Molecular consequence: splice acceptor variant.
Genome position (GRCh38, 1-based): chr17:50,191,491, C>T on the plus strand (G>A on the coding strand, the complement: COL1A1 is on the minus strand). VCF-style: chr17-50191491-C-T. GRCh37 (hg19) VCF-style: chr17-48268852-C-T.
Identifiers: ClinVar variation 855941 (VCV000855941.9), dbSNP rs67543897, ClinGen allele CA291543993.